The following is an entry in ClinVar:

NM_021930.6(RINT1):c.1349del (p.Met450fs)

Gene: RINT1 (RAD50 interactor 1; plus strand). Cytogenetic location: 7q22.3.
Variant type: Deletion.
Coding change: c.1349del on transcript NM_021930.6 (MANE Select); coding-DNA position 1349, one base deleted (T; older notation c.1349delT).
Protein change: p.Met450fs; shifts the reading frame from methionine 450.
Molecular consequence: frameshift variant. On other transcripts: non-coding transcript variant (1).
Genome position (GRCh38, 1-based): chr7:105,551,585, T deleted. VCF-style (leftmost placement, unchanged base first): chr7-105551584-AT-A. GRCh37 (hg19) VCF-style: chr7-105192031-AT-A.
Other names: c.1115del, p.Met372fs (NM_001346599.2); c.326del, p.Met109fs (NM_001346600.2, NM_001346603.2); c.425del, p.Met142fs (NM_001346601.2); short protein forms M142fs, M450fs, M109fs, M372fs.
Identifiers: ClinVar variation 1770547 (VCV001770547.2), dbSNP rs1790927422, ClinGen allele CA1731745621.

ClinVar aggregate classification (germline): Uncertain significance (1 of 4 stars; one submission).

Submission:

Ambry Genetics
Classification: Uncertain significance. Last evaluated: 2021-01-26. Review status: criteria provided, single submitter. Criteria: Ambry Variant Classification Scheme 2023. Collection method: clinical testing. Allele origin: germline.
Comment: The c.1349delT variant, located in coding exon 10 of the RINT1 gene, results from a deletion of one nucleotide at nucleotide position 1349, causing a translational frameshift with a predicted alternate stop codon (p.M450Rfs*24). This alteration is expected to result in premature protein truncation or nonsense-mediated mRNA decay. However, the gene-disease association for RINT1 is limited. Since supporting evidence is limited at this time, the clinical significance of this alteration remains unclear.